The following is an entry in ClinVar:

ClinVar aggregate classification (germline): Uncertain significance (1 of 4 stars; one submission).

Conditions:
Regional enteritis. Also called: Enteritis, Granulomatous. Identifiers: MedGen C0678202, MeSH D003424.
Blau syndrome (BLAUS). Also called: JABS SYNDROME; ARTHROCUTANEOUVEAL GRANULOMATOSIS; GRANULOMATOSIS, FAMILIAL JUVENILE SYSTEMIC; GRANULOMATOSIS, FAMILIAL, BLAU TYPE; GRANULOMATOUS INFLAMMATORY ARTHRITIS, DERMATITIS, AND UVEITIS, FAMILIAL. Identifiers: Orphanet 90340, MedGen C5201146, MONDO:0008523, OMIM 186580.

gnomAD v4.1: 4 of 1,612,994 alleles (0.00025%); highest among the groups gnomAD compares: Non-Finnish European, 0.00034%; no homozygotes.

Submission:

Labcorp Genetics (formerly Invitae), Labcorp
Classification: Uncertain significance for Regional enteritis; Blau syndrome. Last evaluated: 2024-10-29. Review status: criteria provided, single submitter. Criteria: Invitae Variant Classification Sherloc (09022015). Collection method: clinical testing. Allele origin: germline.
Comment: This sequence change replaces arginine, which is basic and polar, with leucine, which is neutral and non-polar, at codon 703 of the NOD2 protein (p.Arg703Leu). This variant is not present in population databases (gnomAD no frequency). This variant has not been reported in the literature in individuals affected with NOD2-related conditions. ClinVar contains an entry for this variant (Variation ID: 2420794). Invitae Evidence Modeling of protein sequence and biophysical properties (such as structural, functional, and spatial information, amino acid conservation, physicochemical variation, residue mobility, and thermodynamic stability) indicates that this missense variant is not expected to disrupt NOD2 protein function with a negative predictive value of 95%. In summary, the available evidence is currently insufficient to determine the role of this variant in disease. Therefore, it has been classified as a Variant of Uncertain Significance.

NM_001370466.1(NOD2):c.2027G>T (p.Arg676Leu)

Gene: NOD2 (nucleotide binding oligomerization domain containing 2; plus strand). Cytogenetic location: 16q12.1.
Variant type: single nucleotide variant.
Coding change: c.2027G>T on transcript NM_001370466.1 (MANE Select); coding-DNA position 2027, G replaced by T.
Protein change: p.Arg676Leu; replaces arginine 676 with leucine.
Molecular consequence: missense variant. On other transcripts: non-coding transcript variant (1).
Genome position (GRCh38, 1-based): chr16:50,712,019, G>T. VCF-style: chr16-50712019-G-T. GRCh37 (hg19) VCF-style: chr16-50745930-G-T.
Other names: c.2027G>T, p.Arg676Leu (NM_001293557.2); c.2108G>T, p.Arg703Leu (NM_022162.3); short protein forms R676L, R703L.
Identifiers: ClinVar variation 2420794 (VCV002420794.6), dbSNP rs750096604, ClinGen allele CA395870935.